The following is an entry in ClinVar:

NM_203475.3(PORCN):c.1094G>A (p.Arg365Gln)

Gene: PORCN (porcupine O-acyltransferase; plus strand). Cytogenetic location: Xp11.23.
Variant type: single nucleotide variant.
Coding change: c.1094G>A on transcript NM_203475.3 (MANE Select); coding-DNA position 1094, G replaced by A.
Protein change: p.Arg365Gln; replaces arginine 365 with glutamine.
Molecular consequence: missense variant.
Genome position (GRCh38, 1-based): chrX:48,516,067, G>A. VCF-style: chrX-48516067-G-A. GRCh37 (hg19) VCF-style: chrX-48374455-G-A.
Other names: c.1094G>A (NM_203475.1); c.848G>A, p.Arg283Gln (NM_001282167.2); c.1061G>A, p.Arg354Gln (NM_022825.4); c.1079G>A, p.Arg360Gln (NM_203473.3); c.1076G>A, p.Arg359Gln (NM_203474.1); short protein forms R283Q, R354Q, R359Q, R360Q, R365Q.
Identifiers: ClinVar variation 987513 (VCV000987513.8), dbSNP rs2061714949, ClinGen allele CA412848917.

ClinVar aggregate classification (germline): Pathogenic. Review status: criteria provided, multiple submitters, no conflicts (2 of 4 stars). 5 submissions from 5 submitters: Pathogenic (4). 1 of the submissions does not count toward it. Last evaluated 2024-10-11.

Conditions:
Focal dermal hypoplasia (FDH). Also called: Goltz syndrome. Identifiers: Orphanet 2092, MedGen C0016395, MONDO:0010592, OMIM 305600.

Submissions (5):

Labcorp Genetics (formerly Invitae), Labcorp
Classification: Pathogenic. Last evaluated: 2024-10-11. Review status: criteria provided, single submitter. Criteria: Invitae Variant Classification Sherloc (09022015). Collection method: clinical testing. Allele origin: germline.
Comment: This sequence change replaces arginine, which is basic and polar, with glutamine, which is neutral and polar, at codon 365 of the PORCN protein (p.Arg365Gln). This variant is not present in population databases (gnomAD no frequency). This missense change has been observed in individual(s) with focal dermal hypoplasia (PMID: 18325042, 19309688, 19863546). In at least one individual the variant was observed to be de novo. ClinVar contains an entry for this variant (Variation ID: 987513). Invitae Evidence Modeling of protein sequence and biophysical properties (such as structural, functional, and spatial information, amino acid conservation, physicochemical variation, residue mobility, and thermodynamic stability) indicates that this missense variant is expected to disrupt PORCN protein function with a positive predictive value of 95%. This variant disrupts the p.Arg365 amino acid residue in PORCN. Other variant(s) that disrupt this residue have been determined to be pathogenic (PMID: 23131169, 29383603, 30022487). This suggests that this residue is clinically significant, and that variants that disrupt this residue are likely to be disease-causing. For these reasons, this variant has been classified as Pathogenic.

GeneDx
Classification: Pathogenic. Last evaluated: 2023-08-25. Review status: criteria provided, single submitter. Criteria: GeneDx Variant Classification Process June 2021. Collection method: clinical testing. Allele origin: germline. Affected: yes.
Comment: Published functional studies demonstrate a damaging effect on PORCN protein activity and stabilization (Rios-Esteves et al., 2014); Not observed in large population cohorts (gnomAD); In silico analysis, which includes protein predictors and evolutionary conservation, supports a deleterious effect; This variant is associated with the following publications: (PMID: 26853229, 20854095, 19863546, 18325042, 19586929, 32732226, 19292719, 24798332, 19309688, 23131169)

Revvity Omics, Revvity
Classification: Pathogenic for Focal dermal hypoplasia. Last evaluated: 2020-03-24. Review status: criteria provided, single submitter. Criteria: ACMG Guidelines, 2015. Collection method: clinical testing. Allele origin: germline.

Variantyx, Inc.
Classification: Pathogenic for Focal dermal hypoplasia. Review status: criteria provided, single submitter. Criteria: Variantyx Assertion Criteria 2022. Collection method: clinical testing. Allele origin: de novo. Inheritance: X-linked dominant inheritance. Affected: yes.
Comment: This is a nonsynonymous variant in the PORCN gene (OMIM: 300651). Pathogenic variants in this gene have been associated with X-linked focal dermal hypoplasia. This variant likely occurred de novo in one or more of the following: the current proband, individual(s) from the published literature or previous internal cases; however, the possibility of parental germline mosaicism cannot be excluded (PMID: 19863546) (PS2). This variant has been reported in several unrelated affected individuals (PMID: 19309688 , 18325042, 32732226, 3557793) (PS4). Alternate amino acid change(s) at this position (p.Arg365Trp) have been previously reported in similarly affected individuals, which suggests that this residue is biologically important (PMID: 23131169, 29383603) (PM5). Multiple computational algorithms predict a deleterious effect for this variant (REVEL score: 0.792) (PP3_Moderate). This variant is absent from control populations (PM2_Supporting). Based on the current evidence, this variant is classified as pathogenic for X-linked focal dermal hypoplasia.

OMIM
Classification: Pathogenic for FOCAL DERMAL HYPOPLASIA. Last evaluated: 2009-12-01. Review status: no assertion criteria provided. Collection method: literature only. Allele origin: germline. Not counted in ClinVar's aggregate classification.

Literature cited by the submitters: PubMed 18325042 (cited by 3 submitters); PubMed 19309688 (cited by 3 submitters); PubMed 19863546 (cited by Labcorp Genetics (formerly Invitae), Labcorp and OMIM); PubMed 23131169 (cited by Labcorp Genetics (formerly Invitae), Labcorp and Variantyx, Inc.); PubMed 29383603 (cited by Labcorp Genetics (formerly Invitae), Labcorp and Variantyx, Inc.); PubMed 30022487 (cited by Labcorp Genetics (formerly Invitae), Labcorp).